The following is an entry in ClinVar:

NM_005359.6(SMAD4):c.129G>A (p.Leu43=)

Gene: SMAD4 (SMAD family member 4; plus strand). Cytogenetic location: 18q21.2.
Variant type: single nucleotide variant.
Coding change: c.129G>A on transcript NM_005359.6 (MANE Select); coding-DNA position 129, G replaced by A.
Protein change: p.Leu43=; no amino-acid change (leucine 43 retained).
Molecular consequence: synonymous variant. On other transcripts: non-coding transcript variant (2).
Genome position (GRCh38, 1-based): chr18:51,047,175, G>A. VCF-style: chr18-51047175-G-A. GRCh37 (hg19) VCF-style: chr18-48573545-G-A.
Other names: c.129G>A, p.Leu43= (NM_001407041.1, NM_001407042.1, NM_001407043.1).
Identifiers: ClinVar variation 3445867 (VCV003445867.3).

ClinVar aggregate classification (germline): Benign/Likely benign. Review status: criteria provided, multiple submitters, no conflicts (2 of 4 stars). 3 submissions from 3 submitters: Benign (1); Likely benign (2). Last evaluated 2026-01-09.

Conditions:
Hereditary cancer-predisposing syndrome. Also called: Hereditary Cancer Syndrome; Neoplastic Syndromes, Hereditary; Hereditary neoplastic syndrome; Tumor predisposition. Identifiers: Orphanet 140162, MedGen C0027672, MeSH D009386, MONDO:0015356.
Familial thoracic aortic aneurysm and aortic dissection (TAAD). Also called: Thoracic aortic aneurysms and dissections. Identifiers: Orphanet 91387, MedGen C4707243, MONDO:0019625.
SMAD4-related disorder. Also called: SMAD4-related condition; SMAD4-Related disorders.
Juvenile polyposis/hereditary hemorrhagic telangiectasia syndrome (JPHT). Also called: JP/HHT SYNDROME; JUVENILE POLYPOSIS WITH HEREDITARY HEMORRHAGIC TELANGIECTASIA; POLYPOSIS, GENERALIZED JUVENILE, WITH PULMONARY ARTERIOVENOUS MALFORMATION; TELANGIECTASIA, HEREDITARY HEMORRHAGIC, WITH JUVENILE POLYPOSIS COLI; Juvenile Polyposis Syndrome / Hereditary Hemorrhagic Telangiectasia (JPS/HHT). Identifiers: Orphanet 2929, MedGen C1832942, MONDO:0008278, OMIM 175050.

gnomAD v4.1: 1 of 1,613,998 alleles (0.000062%); highest among the groups gnomAD compares: Non-Finnish European, 0.000085%; no homozygotes.

Submissions (3):

PreventionGenetics, part of Exact Sciences
Classification: Likely benign for SMAD4-related condition. Last evaluated: 2026-01-09. Review status: criteria provided, single submitter. Criteria: ACMG Guidelines, 2015. Collection method: clinical testing. Allele origin: germline.
Comment: This variant is classified as likely benign based on ACMG/AMP sequence variant interpretation guidelines (Richards et al. 2015 PMID: 25741868, with internal and published modifications).

Myriad Genetics, Inc.
Classification: Benign for Juvenile polyposis/hereditary hemorrhagic telangiectasia syndrome. Last evaluated: 2025-03-18. Review status: criteria provided, single submitter. Criteria: Myriad Autosomal Dominant, Autosomal Recessive and X-Linked Classification Criteria (2023). Collection method: clinical testing. Allele origin: unknown.
Comment: This variant is considered benign. This variant is a silent/synonymous amino acid change and it is not expected to impact splicing.

Ambry Genetics
Classification: Likely benign for Hereditary cancer-predisposing syndrome; Familial thoracic aortic aneurysm and aortic dissection. Last evaluated: 2024-10-22. Review status: criteria provided, single submitter. Criteria: Ambry Variant Classification Scheme 2023. Collection method: clinical testing. Allele origin: germline.